The following is an entry in ClinVar:

ClinVar aggregate classification (germline): Uncertain significance. Review status: criteria provided, multiple submitters, no conflicts (2 of 4 stars). 2 submissions from 2 submitters: Uncertain significance (2). Last evaluated 2025-10-09.

Conditions:
Renal cell carcinoma. Identifiers: Orphanet 217071, MedGen C0007134, MeSH D002292, MONDO:0005086, HP:0005584.
Hereditary cancer-predisposing syndrome. Also called: Neoplastic Syndromes, Hereditary; Tumor predisposition; Hereditary neoplastic syndrome; Hereditary Cancer Syndrome. Identifiers: Orphanet 140162, MedGen C0027672, MeSH D009386, MONDO:0015356.

Allele frequency attached by ClinVar (database versions not stated): gnomAD exomes below 0.00001.
gnomAD v4.1: 2 of 1,613,852 alleles (0.00012%); highest among the groups gnomAD compares: Non-Finnish European, 0.00017%; no homozygotes.

Submissions (2):

Labcorp Genetics (formerly Invitae), Labcorp
Classification: Uncertain significance for Renal cell carcinoma. Last evaluated: 2025-10-09. Review status: criteria provided, single submitter. Criteria: Invitae Variant Classification Sherloc (09022015). Collection method: clinical testing. Allele origin: germline.
Comment: This sequence change replaces serine, which is neutral and polar, with arginine, which is basic and polar, at codon 22 of the MET protein (p.Ser22Arg). This variant is present in population databases (no rsID available, gnomAD 0.0009%). This variant has not been reported in the literature in individuals affected with MET-related conditions. ClinVar contains an entry for this variant (Variation ID: 826560). Invitae Evidence Modeling of protein sequence and biophysical properties (such as structural, functional, and spatial information, amino acid conservation, physicochemical variation, residue mobility, and thermodynamic stability) indicates that this missense variant is not expected to disrupt MET protein function with a negative predictive value of 80%. In summary, the available evidence is currently insufficient to determine the role of this variant in disease. Therefore, it has been classified as a Variant of Uncertain Significance.

Ambry Genetics
Classification: Uncertain significance for Hereditary cancer-predisposing syndrome. Last evaluated: 2023-09-15. Review status: criteria provided, single submitter. Criteria: Ambry Variant Classification Scheme 2023. Collection method: clinical testing. Allele origin: germline.
Comment: The p.S22R variant (also known as c.66C>A), located in coding exon 1 of the MET gene, results from a C to A substitution at nucleotide position 66. The serine at codon 22 is replaced by arginine, an amino acid with dissimilar properties. This amino acid position is well conserved in available vertebrate species. In addition, the in silico prediction for this alteration is inconclusive. Since supporting evidence is limited at this time, the clinical significance of this alteration remains unclear.

NM_000245.4(MET):c.66C>A (p.Ser22Arg)

Gene: MET (MET proto-oncogene, receptor tyrosine kinase; plus strand). Cytogenetic location: 7q31.2.
Variant type: single nucleotide variant.
Coding change: c.66C>A on transcript NM_000245.4 (MANE Select); coding-DNA position 66, C replaced by A.
Protein change: p.Ser22Arg; replaces serine 22 with arginine.
Molecular consequence: missense variant. On other transcripts: intron variant (1).
Genome position (GRCh38, 1-based): chr7:116,699,150, C>A. VCF-style: chr7-116699150-C-A. GRCh37 (hg19) VCF-style: chr7-116339204-C-A.
Other names: c.66C>A, p.Ser22Arg (NM_001127500.3, NM_001324401.3); c.-91+26573C>A (NM_001324402.2); short protein forms S22R.
Identifiers: ClinVar variation 826560 (VCV000826560.12), dbSNP rs773018125, ClinGen allele CA164887699.